The following is an entry in ClinVar:

NM_024675.4(PALB2):c.3011A>G (p.Gln1004Arg)

Gene: PALB2 (partner and localizer of BRCA2; minus strand). Cytogenetic location: 16p12.2.
Variant type: single nucleotide variant.
Coding change: c.3011A>G on transcript NM_024675.4 (MANE Select); coding-DNA position 3011, A replaced by G.
Protein change: p.Gln1004Arg; replaces glutamine 1004 with arginine.
Molecular consequence: missense variant. On other transcripts: intron variant (1).
Genome position (GRCh38, 1-based): chr16:23,621,464, T>C on the plus strand (A>G on the coding strand, the complement: PALB2 is on the minus strand). VCF-style: chr16-23621464-T-C. GRCh37 (hg19) VCF-style: chr16-23632785-T-C.
Other names: c.2939A>G, p.Gln980Arg (NM_001407297.1); c.2126A>G, p.Gln709Arg (NM_001407310.1, NM_001407311.1, NM_001407304.1 and 4 more transcripts); c.1223A>G, p.Gln408Arg (NM_001407312.1, NM_001407313.1); c.545A>G, p.Gln182Arg (NM_001407314.1); c.2834+2545A>G (NM_001407300.1); c.2951A>G, p.Gln984Arg (NM_001407296.1); c.2849A>G, p.Gln950Arg (NM_001407298.1, NM_001407302.1); c.3011A>G, p.Gln1004Arg (NM_001407299.1, NM_001407301.1); and 1 more; short protein forms Q182R, Q655R, Q709R, Q950R, Q980R, Q408R, Q984R, Q1004R.
Identifiers: ClinVar variation 4130355 (VCV004130355.1).

ClinVar aggregate classification (germline): Uncertain significance (1 of 4 stars; one submission).

Conditions:
Hereditary cancer-predisposing syndrome. Also called: Hereditary neoplastic syndrome; Neoplastic Syndromes, Hereditary; Tumor predisposition; Hereditary Cancer Syndrome. Identifiers: Orphanet 140162, MedGen C0027672, MeSH D009386, MONDO:0015356.

Submission:

Ambry Genetics
Classification: Uncertain significance for Hereditary cancer-predisposing syndrome. Last evaluated: 2025-09-12. Review status: criteria provided, single submitter. Criteria: Ambry Variant Classification Scheme 2023. Collection method: clinical testing. Allele origin: germline.
Comment: The p.Q1004R variant (also known as c.3011A>G), located in coding exon 10 of the PALB2 gene, results from an A to G substitution at nucleotide position 3011. The glutamine at codon 1004 is replaced by arginine, an amino acid with highly similar properties. This amino acid position is conserved. In addition, this alteration is predicted to be tolerated by in silico analysis. Based on the available evidence, the clinical significance of this variant remains unclear.